The following is an entry in ClinVar:

ClinVar aggregate classification (germline): Uncertain significance (1 of 4 stars; one submission).

Conditions:
Autosomal dominant nocturnal frontal lobe epilepsy 5. Also called: CILIARY DYSKINESIA, PRIMARY, 28, WITH SITUS INVERSUS; Epilepsy, nocturnal frontal lobe, 5; CILIARY DYSKINESIA, PRIMARY, 28, WITHOUT SITUS INVERSUS; KCNT1-Related Epilepsy. Identifiers: Orphanet 98784, MedGen C3554306, MONDO:0014002, OMIM 615005.
Developmental and epileptic encephalopathy, 14 (DEE14). Also called: Early infantile epileptic encephalopathy 14. Identifiers: Orphanet 293181, MedGen C3554195, MONDO:0013989, OMIM 614959.

Submission:

Labcorp Genetics (formerly Invitae), Labcorp
Classification: Uncertain significance for Autosomal dominant nocturnal frontal lobe epilepsy 5; Developmental and epileptic encephalopathy, 14. Last evaluated: 2025-04-01. Review status: criteria provided, single submitter. Criteria: Invitae Variant Classification Sherloc (09022015). Collection method: clinical testing. Allele origin: germline.
Comment: This sequence change replaces tryptophan, which is neutral and slightly polar, with arginine, which is basic and polar, at codon 228 of the KCNT1 protein (p.Trp228Arg). This variant is not present in population databases (gnomAD no frequency). This variant has not been reported in the literature in individuals affected with KCNT1-related conditions. Invitae Evidence Modeling of protein sequence and biophysical properties (such as structural, functional, and spatial information, amino acid conservation, physicochemical variation, residue mobility, and thermodynamic stability) indicates that this missense variant is not expected to disrupt KCNT1 protein function with a negative predictive value of 80%. In summary, the available evidence is currently insufficient to determine the role of this variant in disease. Therefore, it has been classified as a Variant of Uncertain Significance.

NM_020822.3(KCNT1):c.682T>C (p.Trp228Arg)

Gene: KCNT1 (potassium sodium-activated channel subfamily T member 1; plus strand). Cytogenetic location: 9q34.3.
Variant type: single nucleotide variant.
Coding change: c.682T>C on transcript NM_020822.3 (MANE Select); coding-DNA position 682, T replaced by C.
Protein change: p.Trp228Arg; replaces tryptophan 228 with arginine.
Molecular consequence: missense variant.
Genome position (GRCh38, 1-based): chr9:135,757,304, T>C. VCF-style: chr9-135757304-T-C. GRCh37 (hg19) VCF-style: chr9-138649150-T-C.
Other names: c.538T>C, p.Trp180Arg (NM_001272003.2); short protein forms W180R, W228R.
Identifiers: ClinVar variation 4793274 (VCV004793274.1).